The following is an entry in ClinVar:

NM_001164508.2(NEB):c.5236A>T (p.Lys1746Ter)

Gene: NEB (nebulin; minus strand). Cytogenetic location: 2q23.3.
Variant type: single nucleotide variant.
Coding change: c.5236A>T on transcript NM_001164508.2 (MANE Select); coding-DNA position 5236, A replaced by T.
Protein change: p.Lys1746Ter; replaces lysine 1746 with a stop codon.
Molecular consequence: nonsense.
Genome position (GRCh38, 1-based): chr2:151,665,335, T>A on the plus strand (A>T on the coding strand, the complement: NEB is on the minus strand). VCF-style: chr2-151665335-T-A. GRCh37 (hg19) VCF-style: chr2-152521849-T-A.
Other names: c.5236A>T, p.Lys1746Ter (NM_001164507.2, NM_001271208.2, NM_004543.5); short protein forms K1746*.
Identifiers: ClinVar variation 1724644 (VCV001724644.2), dbSNP rs2552257778, ClinGen allele CA348811997.

ClinVar aggregate classification (germline): Likely pathogenic (1 of 4 stars; one submission).

Conditions:
Nemaline myopathy 2 (NEM2). Also called: Nemaline myopathy 2, autosomal recessive. Identifiers: MedGen C1850569, MONDO:0009725, OMIM 256030.

Submission:

Myriad Genetics, Inc.
Classification: Likely pathogenic for Nemaline myopathy 2. Last evaluated: 2022-02-24. Review status: criteria provided, single submitter. Criteria: Myriad Women's Health Autosomal Recessive and X-Linked Classification Criteria (2021). Collection method: clinical testing. Allele origin: unknown.
Comment: NM_001271208.1(NEB):c.5236A>T(K1746*) is expected to be pathogenic in the context of NEB-related nemaline myopathy. This variant is predicted to lead to an abnormal or absent protein product due to the creation of a premature termination codon in NEB, a gene where loss-of-function variants are known to be pathogenic. Please note: this variant was assessed in the context of healthy population screening.